The following is an entry in ClinVar:

NM_014633.5(CTR9):c.2300C>G (p.Ser767Cys)

Gene: CTR9 (CTR9 component of Paf1/RNA polymerase II complex; plus strand). Cytogenetic location: 11p15.4.
Variant type: single nucleotide variant.
Coding change: c.2300C>G on transcript NM_014633.5 (MANE Select); coding-DNA position 2300, C replaced by G.
Protein change: p.Ser767Cys; replaces serine 767 with cysteine.
Molecular consequence: missense variant.
Genome position (GRCh38, 1-based): chr11:10,770,560, C>G. VCF-style: chr11-10770560-C-G. GRCh37 (hg19) VCF-style: chr11-10792107-C-G.
Other names: c.2300C>G, p.Ser767Cys (NM_001346279.2); short protein forms S767C.
Identifiers: ClinVar variation 2108706 (VCV002108706.4), dbSNP rs1396094665, ClinGen allele CA379675240.

ClinVar aggregate classification (germline): Uncertain significance (1 of 4 stars; one submission).

gnomAD v4.1: 1 of 1,613,956 alleles (0.000062%); highest among the groups gnomAD compares: African/African-American, 0.0013%; no homozygotes.

Submission:

Labcorp Genetics (formerly Invitae), Labcorp
Classification: Uncertain significance. Last evaluated: 2022-03-11. Review status: criteria provided, single submitter. Criteria: Invitae Variant Classification Sherloc (09022015). Collection method: clinical testing. Allele origin: germline.
Comment: This variant has not been reported in the literature in individuals affected with CTR9-related conditions. This variant is not present in population databases (gnomAD no frequency). This sequence change replaces serine, which is neutral and polar, with cysteine, which is neutral and slightly polar, at codon 767 of the CTR9 protein (p.Ser767Cys). Algorithms developed to predict the effect of missense changes on protein structure and function are either unavailable or do not agree on the potential impact of this missense change (SIFT: "Deleterious"; PolyPhen-2: "Benign"; Align-GVGD: "Class C0"). In summary, the available evidence is currently insufficient to determine the role of this variant in disease. Therefore, it has been classified as a Variant of Uncertain Significance.